The following is an entry in ClinVar:

ClinVar aggregate classification (germline): Likely benign. Review status: criteria provided, multiple submitters, no conflicts (2 of 4 stars). 3 submissions from 3 submitters: Likely benign (3). Last evaluated 2025-10-13.

Allele frequency attached by ClinVar (database versions not stated): ExAC 0.00040; gnomAD 0.00040 and 0.00043; TOPMed 0.00046; ESP Exome Variant Server 0.00054.

Submissions (4):

Labcorp Genetics (formerly Invitae), Labcorp
Classification: Likely benign. Last evaluated: 2025-10-13. Review status: criteria provided, single submitter. Criteria: Invitae Variant Classification Sherloc (09022015). Collection method: clinical testing. Allele origin: germline.

Blueprint Genetics
Classification: Likely benign. Last evaluated: 2024-09-16. Review status: criteria provided, single submitter. Criteria: ACMG Guidelines, 2015. Collection method: clinical testing. Allele origin: germline.

CeGaT Center for Human Genetics Tuebingen
Classification: Likely benign. Last evaluated: 2023-02-01. Review status: criteria provided, single submitter. Criteria: CeGaT Center For Human Genetics Tuebingen Variant Classification Criteria Version 2. Collection method: clinical testing. Allele origin: germline. Affected: yes. Observed: 2 variant alleles.
Comment: LAMA1: BP4

Dr. Peter K. Rogan Lab, Western University
No classification provided (evidence only). Condition: Lung cancer. Review status: no classification provided. Collection method: in vitro. Allele origin: not applicable. Functional consequence: retained intron. Not counted in ClinVar's aggregate classification.

NM_005559.4(LAMA1):c.7659C>G (p.Asn2553Lys)

Genes: LAMA1 (laminin subunit alpha 1; minus strand), LOC126862685 (BRD4-independent group 4 enhancer GRCh37_chr18:6958646-6959845; plus strand). Cytogenetic location: 18p11.31.
Variant type: single nucleotide variant.
Coding change: c.7659C>G on transcript NM_005559.4 (MANE Select); coding-DNA position 7659, C replaced by G.
Protein change: p.Asn2553Lys; replaces asparagine 2553 with lysine.
Molecular consequence: missense variant.
Genome position (GRCh38, 1-based): chr18:6,959,460, G>C on the plus strand (C>G on the coding strand, the complement: LAMA1 is on the minus strand). VCF-style: chr18-6959460-G-C. GRCh37 (hg19) VCF-style: chr18-6959459-G-C.
Other names: short protein forms N2553K.
Identifiers: ClinVar variation 732516 (VCV000732516.45), dbSNP rs143933905, ClinGen allele CA8880824.